The following is an entry in ClinVar:

ClinVar aggregate classification (germline): Conflicting classifications of pathogenicity. Review status: criteria provided, conflicting classifications (1 of 4 stars). 5 submissions from 5 submitters: Uncertain significance (1); Likely benign (2). 2 of the submissions do not count toward it. Last evaluated 2026-01-28.

Conditions:
TFR2-related disorder. Also called: TFR2-related condition.
Hereditary hemochromatosis (HFE). Identifiers: MedGen C0392514, MONDO:0006507. Disease mechanism: loss of function.
Hemochromatosis type 3 (HFE3). Also called: HEMOCHROMATOSIS DUE TO DEFECT IN TRANSFERRIN RECEPTOR 2; TFR2-Related Hemochromatosis; Hereditary hemochromatosis type 3. Identifiers: Orphanet 225123, MedGen C1858664, MONDO:0011417, OMIM 604250.

Allele frequency attached by ClinVar (database versions not stated): 1000 Genomes Project 30x 0.00031; 1000 Genomes Project 0.00040; ExAC 0.00085; gnomAD exomes 0.00093 and 0.00140; gnomAD 0.00102 and 0.00103; ESP Exome Variant Server 0.00123; TOPMed 0.00132.
gnomAD v4.1: 2,183 of 1,613,278 alleles (0.14%); highest among the groups gnomAD compares: Admixed American, 0.18%; 1 homozygote.

Submissions (8):

Labcorp Genetics (formerly Invitae), Labcorp
Classification: Likely benign for Hereditary hemochromatosis. Last evaluated: 2026-01-28. Review status: criteria provided, single submitter. Criteria: Invitae Variant Classification Sherloc (09022015). Collection method: clinical testing. Allele origin: germline.

Blueprint Genetics
Classification: Likely benign. Last evaluated: 2024-11-26. Review status: criteria provided, single submitter. Criteria: ACMG Guidelines, 2015. Collection method: clinical testing. Allele origin: germline.

Illumina Laboratory Services, Illumina
Classification: Uncertain significance for Hemochromatosis type 3. Last evaluated: 2018-01-13. Review status: criteria provided, single submitter. Criteria: ICSL Variant Classification Criteria 13 December 2019. Collection method: clinical testing. Allele origin: germline.

PreventionGenetics, part of Exact Sciences
Classification: Likely benign for TFR2-related condition. Last evaluated: 2023-08-01. Review status: no assertion criteria provided. Collection method: clinical testing. Allele origin: germline. Not counted in ClinVar's aggregate classification.
Comment: This variant is classified as likely benign based on ACMG/AMP sequence variant interpretation guidelines (Richards et al. 2015 PMID: 25741868, with internal and published modifications).

Natera, Inc.
Classification: Benign for Hereditary hemochromatosis type 3. Last evaluated: 2020-06-15. Review status: no assertion criteria provided. Collection method: clinical testing. Allele origin: germline. Not counted in ClinVar's aggregate classification.

Dr. Peter K. Rogan Lab, Western University
No classification provided (evidence only). Condition: Cervical cancer. Review status: no classification provided. Collection method: in vitro. Allele origin: not applicable. Functional consequence: retained intron. Not counted in ClinVar's aggregate classification.

Dr. Peter K. Rogan Lab, Western University
No classification provided (evidence only). Condition: Chronic lymphocytic leukemia/small lymphocytic lymphoma. Review status: no classification provided. Collection method: in vitro. Allele origin: not applicable. Functional consequence: retained intron. Not counted in ClinVar's aggregate classification.

Dr. Peter K. Rogan Lab, Western University
No classification provided (evidence only). Condition: Lymphoma. Review status: no classification provided. Collection method: in vitro. Allele origin: not applicable. Functional consequence: retained intron. Not counted in ClinVar's aggregate classification.

NM_003227.4(TFR2):c.727-9T>A

Gene: TFR2 (transferrin receptor 2; minus strand). Cytogenetic location: 7q22.1.
Variant type: single nucleotide variant.
Coding change: c.727-9T>A on transcript NM_003227.4 (MANE Select); 9 bases into the intron before coding-DNA position 727, T replaced by A.
Molecular consequence: intron variant.
Genome position (GRCh38, 1-based): chr7:100,633,132, A>T on the plus strand (T>A on the coding strand, the complement: TFR2 is on the minus strand). VCF-style: chr7-100633132-A-T. GRCh37 (hg19) VCF-style: chr7-100230755-A-T.
Other names: c.214-9T>A (NM_001206855.3).
Identifiers: ClinVar variation 695305 (VCV000695305.20), dbSNP rs200816061, ClinGen allele CA4386721.